The following is an entry in ClinVar:

NM_198060.4(NRAP):c.2903T>G (p.Leu968Trp)

Gene: NRAP (nebulin related anchoring protein; minus strand). Cytogenetic location: 10q25.3.
Variant type: single nucleotide variant.
Coding change: c.2903T>G on transcript NM_198060.4 (MANE Select); coding-DNA position 2903, T replaced by G.
Protein change: p.Leu968Trp; replaces leucine 968 with tryptophan.
Molecular consequence: missense variant.
Genome position (GRCh38, 1-based): chr10:113,617,525, A>C on the plus strand (T>G on the coding strand, the complement: NRAP is on the minus strand). VCF-style: chr10-113617525-A-C. GRCh37 (hg19) VCF-style: chr10-115377284-A-C.
Other names: c.2903T>G, p.Leu968Trp (NM_001261463.2); c.2795T>G, p.Leu932Trp (NM_001322945.2); c.2798T>G, p.Leu933Trp (NM_006175.5); short protein forms L932W, L933W, L968W.
Identifiers: ClinVar variation 2635670 (VCV002635670.1), dbSNP rs775043284, ClinGen allele CA5695002.

ClinVar aggregate classification (germline): Uncertain significance (1 of 4 stars; one submission).

Conditions:
NRAP-related disorder. Also called: NRAP-related condition.

Allele frequency attached by ClinVar (database versions not stated): ExAC 0.00002; gnomAD exomes 0.00002.
gnomAD v4.1: 25 of 1,612,192 alleles (0.0016%); highest among the groups gnomAD compares: Non-Finnish European, 0.002%; no homozygotes.

Submission:

PreventionGenetics, part of Exact Sciences
Classification: Uncertain significance for NRAP-related condition. Last evaluated: 2023-04-25. Review status: criteria provided, single submitter. Criteria: ACMG Guidelines, 2015. Collection method: clinical testing. Allele origin: germline.
Comment: The NRAP c.2903T>G variant is predicted to result in the amino acid substitution p.Leu968Trp. To our knowledge, this variant has not been reported in the literature. This variant is reported in 0.0018% of alleles in individuals of European (Non-Finnish) descent in gnomAD. At this time, the clinical significance of this variant is uncertain due to the absence of conclusive functional and genetic evidence.